The following is an entry in ClinVar:

ClinVar aggregate classification (germline): Pathogenic (1 of 4 stars; one submission).

Conditions:
Neurofibromatosis, type 1 (NF1). Also called: VON RECKLINGHAUSEN DISEASE; Neurofibromatosis, type I; NEUROFIBROMATOSIS, TYPE I, SOMATIC; Peripheral type neurofibromatosis. Identifiers: Orphanet 636, MedGen C0027831, MONDO:0018975, OMIM 162200. Disease mechanism: loss of function.

Submission:

Labcorp Genetics (formerly Invitae), Labcorp
Classification: Pathogenic for Neurofibromatosis, type 1. Last evaluated: 2021-09-09. Review status: criteria provided, single submitter. Criteria: Invitae Variant Classification Sherloc (09022015). Collection method: clinical testing. Allele origin: germline.
Comment: This sequence change creates a premature translational stop signal (p.Asn420Ilefs*53) in the NF1 gene. It is expected to result in an absent or disrupted protein product. Loss-of-function variants in NF1 are known to be pathogenic (PMID: 10712197, 23913538). This variant is not present in population databases (ExAC no frequency). This variant has not been reported in the literature in individuals affected with NF1-related conditions. For these reasons, this variant has been classified as Pathogenic.

Literature cited by the submitters: PubMed 10712197; PubMed 23913538.

NM_001042492.3(NF1):c.1257del (p.Asn420fs)

Gene: NF1 (neurofibromin 1; plus strand). Cytogenetic location: 17q11.2.
Variant type: Deletion.
Coding change: c.1257del on transcript NM_001042492.3 (MANE Select); coding-DNA position 1257, one base deleted (C; older notation c.1257delC).
Protein change: p.Asn420fs; shifts the reading frame from asparagine 420.
Molecular consequence: frameshift variant.
Genome position (GRCh38, 1-based): chr17:31,201,482, C deleted; the last of 2 consecutive C bases (chr17:31,201,481-31,201,482); deleting either gives the same sequence. VCF-style (leftmost placement, unchanged base first): chr17-31201480-AC-A. GRCh37 (hg19) VCF-style: chr17-29528498-AC-A.
Other names: c.1257delC, p.Asn420Ilefs (NM_000267.4); c.1257del, p.Asn420fs (NM_001128147.3); short protein forms N420fs.
Identifiers: ClinVar variation 1391491 (VCV001391491.6), dbSNP rs2143887003, ClinGen allele CA2573153597.